The following is an entry in ClinVar:

ClinVar aggregate classification (germline): Pathogenic (1 of 4 stars; one submission).

Conditions:
Hereditary nonpolyposis colorectal neoplasms. Identifiers: MedGen C0009405, MeSH D003123.

Submission:

Labcorp Genetics (formerly Invitae), Labcorp
Classification: Pathogenic for Hereditary nonpolyposis colorectal neoplasms. Last evaluated: 2021-04-11. Review status: criteria provided, single submitter. Criteria: Invitae Variant Classification Sherloc (09022015). Collection method: clinical testing. Allele origin: germline.
Comment: For these reasons, this variant has been classified as Pathogenic. This variant has not been reported in the literature in individuals with MSH6-related conditions. This variant is a gross deletion of the genomic region encompassing exon(s) 1-4 of the MSH6 gene, which includes the initiator codon. The 5' end of this event is unknown as it extends beyond the assayed region for this gene and therefore may encompass additional genes. The 3' boundary is likely confined to intron 4 of the MSH6 gene. It is expected to result in an absent or disrupted protein product. Loss-of-function variants in MSH6 are known to be pathogenic (PMID: 18269114, 24362816).

Literature cited by the submitters: PubMed 18269114; PubMed 24362816.

NC_000002.11:g.(?_48010373)_(48028304_?)del

Gene: MSH6 (mutS homolog 6; plus strand). Cytogenetic location: 2p16.3.
Variant type: Deletion.
Identifiers: ClinVar variation 1454652 (VCV001454652.5).